The following is an entry in ClinVar:

NC_000023.11:g.(?_47572844)_(47605399_?)del

Genes: TIMP1 (TIMP metallopeptidase inhibitor 1; plus strand), SYN1 (synapsin I; minus strand), MIR4769 (microRNA 4769; plus strand), LOC130068224 (ATAC-STARR-seq lymphoblastoid silent region 20808; plus strand), LOC125467745 (Sharpr-MPRA regulatory region 5754; plus strand) and 3 more. Cytogenetic location: Xp11.3-11.23.
Variant type: Deletion.
Identifiers: ClinVar variation 583809 (VCV000583809.12).

ClinVar aggregate classification (germline): Uncertain significance (1 of 4 stars; one submission).

Conditions:
Epilepsy, X-linked 1, with variable learning disabilities and behavior disorders. Also called: X-linked epilepsy-learning disabilities-behavior disorders syndrome. Identifiers: Orphanet 85294, MedGen C5774177, MONDO:0010339, OMIM 300491.

Submission:

Labcorp Genetics (formerly Invitae), Labcorp
Classification: Uncertain significance for Epilepsy, X-linked 1, with variable learning disabilities and behavior disorders. Last evaluated: 2018-08-20. Review status: criteria provided, single submitter. Criteria: Invitae Variant Classification Sherloc (09022015). Collection method: clinical testing. Allele origin: germline.
Comment: In summary, the available evidence is currently insufficient to determine the role of this variant in disease. Therefore, it has been classified as a Variant of Uncertain Significance. This variant has not been reported in the literature in individuals with SYN1-related disease. This variant is a gross deletion of the genomic region encompassing exons 4 to 13 of the SYN1 gene. The 5' boundary is likely confined to intron 3. The 3' end of this event is unknown as it extends through the termination codon beyond the assayed region for this gene and may encompass additional genes. While this deletion is not anticipated to result in nonsense mediated decay, it is expected to create a truncated protein product or disrupt mRNA translation.